The following is an entry in ClinVar:

NM_001103.4(ACTN2):c.615+4_615+6del

Gene: ACTN2 (actinin alpha 2; plus strand). Cytogenetic location: 1q43.
Variant type: Deletion.
Coding change: c.615+4_615+6del on transcript NM_001103.4 (MANE Select); bases 4 to 6 of the intron after coding-DNA position 615, 3 bases deleted (ATT; older notation c.615+4_615+6delATT).
Molecular consequence: splice donor variant.
Genome position (GRCh38, 1-based): chr1:236,727,760-236,727,762, ATT deleted; deleting any 3 consecutive bases within chr1:236,727,758-236,727,762 gives the same sequence; the c. name uses the placement nearest the transcript's 3' end. VCF-style (leftmost placement, unchanged base first): chr1-236727757-GTTA-G. GRCh37 (hg19) VCF-style: chr1-236891057-GTTA-G.
Other names: c.-207+4_-207+6del (NM_001278344.2); c.615+4_615+6del (NM_001278343.2).
Identifiers: ClinVar variation 2120075 (VCV002120075.4), dbSNP rs2527565215, ClinGen allele CA2580062361.
Genomic context (GRCh38, chr1:236,727,757, plus strand): 5'-CTCTGTGCCCTCATCCACCGACACCGGCCTGACCTCATTGACTACTCAAAGCTTAACAAG[GTTA>G]TTCTGGGTGGCCTGGCATGCAGTGTCCCCAGCCACGCGTCTCAGCATGTCCTGCAAATGA-3'

ClinVar aggregate classification (germline): Uncertain significance (1 of 4 stars; one submission).

Conditions:
Dilated cardiomyopathy 1AA (CMD1AA). Also called: Cardiomyopathy, dilated, 1AA, with or without LVNC; CARDIOMYOPATHY, DILATED, 1AA, WITH OR WITHOUT LEFT VENTRICULAR NONCOMPACTION; CARDIOMYOPATHY, FAMILIAL HYPERTROPHIC, 23, WITH OR WITHOUT LEFT VENTRICULAR NONCOMPACTION. Identifiers: Orphanet 154, MedGen C2677338, MONDO:0012808, OMIM 612158.
Primary familial hypertrophic cardiomyopathy (HCM). Identifiers: Orphanet 99739, MedGen C0949658, MeSH D024741, MONDO:0024573. Inheritance: Various modes of inheritance.

Submission:

Labcorp Genetics (formerly Invitae), Labcorp
Classification: Uncertain significance for Primary familial hypertrophic cardiomyopathy; Dilated cardiomyopathy 1AA. Last evaluated: 2022-03-31. Review status: criteria provided, single submitter. Criteria: Invitae Variant Classification Sherloc (09022015). Collection method: clinical testing. Allele origin: germline.
Comment: This sequence change falls in intron 6 of the ACTN2 gene. It does not directly change the encoded amino acid sequence of the ACTN2 protein. It affects a nucleotide within the consensus splice site. This variant is not present in population databases (gnomAD no frequency). This variant has not been reported in the literature in individuals affected with ACTN2-related conditions. Variants that disrupt the consensus splice site are a relatively common cause of aberrant splicing (PMID: 17576681, 9536098). Algorithms developed to predict the effect of sequence changes on RNA splicing suggest that this variant is not likely to affect RNA splicing. In summary, the available evidence is currently insufficient to determine the role of this variant in disease. Therefore, it has been classified as a Variant of Uncertain Significance.

Literature cited by the submitters: PubMed 17576681; PubMed 9536098.